The following is an entry in ClinVar:

ClinVar aggregate classification (germline): Conflicting classifications of pathogenicity. Review status: criteria provided, conflicting classifications (1 of 4 stars). 9 submissions from 8 submitters: Uncertain significance (1); Benign (5); Likely benign (2). 1 of the submissions does not count toward it. Last evaluated 2025-02-01.

Conditions:
Maturity-onset diabetes of the young (MODY). Also called: Maturity onset diabetes mellitus in young. Identifiers: Orphanet 552, MedGen C0342276, MONDO:0018911, HP:0004904.
Maturity-onset diabetes of the young type 3. Also called: MODY type 3; MODY, type III. Identifiers: Orphanet 552, MedGen C1838100, MeSH C563933, MONDO:0010894, OMIM 600496. Disease mechanism: loss of function.
Nonpapillary renal cell carcinoma. Identifiers: Orphanet 422526, MedGen CN074294, MONDO:0007763, OMIM 144700.

Allele frequency attached by ClinVar (database versions not stated): gnomAD 0.00001 and 0.00019; TOPMed 0.00009; gnomAD exomes 0.00037 and 0.00083; ExAC 0.00103; 1000 Genomes Project 30x 0.00109; 1000 Genomes Project 0.00120.
gnomAD v4.1: 582 of 1,612,498 alleles (0.036%); highest among the groups gnomAD compares: South Asian, 0.55%; 5 homozygotes.

Submissions (9):

KCCC/NGS Laboratory, Kuwait Cancer Control Center
Classification: Benign for Maturity-onset diabetes of the young type 3. Last evaluated: 2025-02-01. Review status: criteria provided, single submitter. Criteria: ACMG Guidelines, 2015. Collection method: clinical testing. Allele origin: germline. Affected: no.

Blueprint Genetics
Classification: Likely benign. Last evaluated: 2024-10-08. Review status: criteria provided, single submitter. Criteria: ACMG Guidelines, 2015. Collection method: clinical testing. Allele origin: germline.

Women's Health and Genetics/Laboratory Corporation of America, LabCorp
Classification: Benign. Last evaluated: 2024-09-23. Review status: criteria provided, single submitter. Criteria: LabCorp Variant Classification Summary - May 2015. Collection method: clinical testing. Allele origin: germline.

KCCC/NGS Laboratory, Kuwait Cancer Control Center
Classification: Benign for Nonpapillary renal cell carcinoma. Last evaluated: 2023-07-07. Review status: criteria provided, single submitter. Criteria: ACMG Guidelines, 2015. Collection method: clinical testing. Allele origin: germline. Affected: yes.

CeGaT Center for Human Genetics Tuebingen
Classification: Benign. Last evaluated: 2022-05-01. Review status: criteria provided, single submitter. Criteria: CeGaT Center For Human Genetics Tuebingen Variant Classification Criteria Version 2. Collection method: clinical testing. Allele origin: germline. Affected: yes. Observed: 1 variant allele.
Comment: HNF1A: BS1, BS2

Ambry Genetics
Classification: Likely benign for Maturity-onset diabetes of the young. Last evaluated: 2017-09-18. Review status: criteria provided, single submitter. Criteria: Ambry Variant Classification Scheme 2023. Collection method: clinical testing. Allele origin: germline.

Athena Diagnostics
Classification: Benign. Last evaluated: 2017-08-02. Review status: criteria provided, single submitter. Criteria: Athena Diagnostics Criteria. Collection method: clinical testing. Allele origin: germline.

Illumina Laboratory Services, Illumina
Classification: Uncertain significance for Maturity-onset diabetes of the young type 3. Last evaluated: 2017-04-27. Review status: criteria provided, single submitter. Criteria: ICSL Variant Classification Criteria 13 December 2019. Collection method: clinical testing. Allele origin: germline.

Clinical Genomics, Uppaluri K&H Personalized Medicine Clinic
Classification: Likely risk allele for Maturity-onset diabetes of the young. Review status: flagged submission. Criteria: K & H Uppaluri Personalized Medicine Clinic Variant Classification & Assertion Criteria_Updated V.1. Collection method: research. Allele origin: unknown. Inheritance: Autosomal dominant inheritance. Not counted in ClinVar's aggregate classification.
Comment: Mutations in HNF1A gene can predispose to MODY3. It is associated with both micro and macrovascular complications of diabetes, especially cardiovascular complications. Associated with glucosuria. May respond well to sulfonylureas. Sufficient evidence is found to confer the association of this particular variant rs561269721 with MODY3.
ClinVar note: Reason: Outlier claim with insufficient supporting evidence

Literature cited by the submitters: PubMed 23348805 (cited by Athena Diagnostics); PubMed 31673528 (cited by Clinical Genomics, Uppaluri K&H Personalized Medicine Clinic).

NM_000545.8(HNF1A):c.-4A>G

Gene: HNF1A (HNF1 homeobox A; plus strand). Cytogenetic location: 12q24.31.
Variant type: single nucleotide variant.
Coding change: c.-4A>G on transcript NM_000545.8 (MANE Select); 4 bases upstream of the start codon, A replaced by G.
Molecular consequence: 5 prime UTR variant.
Genome position (GRCh38, 1-based): chr12:120,978,765, A>G. VCF-style: chr12-120978765-A-G. GRCh37 (hg19) VCF-style: chr12-121416568-A-G.
Other names: c.-4A>G (NM_001306179.2, NM_000545.6).
Identifiers: ClinVar variation 447492 (VCV000447492.36), dbSNP rs561269721, ClinGen allele CA6831650.